The following is an entry in ClinVar:

NM_000540.3(RYR1):c.14814C>T (p.Ile4938=)

Gene: RYR1 (ryanodine receptor 1; plus strand). Cytogenetic location: 19q13.2.
Variant type: single nucleotide variant.
Coding change: c.14814C>T on transcript NM_000540.3 (MANE Select); coding-DNA position 14814, C replaced by T.
Protein change: p.Ile4938=; no amino-acid change (isoleucine 4938 retained).
Molecular consequence: synonymous variant.
Genome position (GRCh38, 1-based): chr19:38,585,948, C>T. VCF-style: chr19-38585948-C-T. GRCh37 (hg19) VCF-style: chr19-39076588-C-T.
Other names: c.14799C>T, p.Ile4933= (NM_001042723.2).
Identifiers: ClinVar variation 403410 (VCV000403410.18), dbSNP rs118192159, ClinGen allele CA061686.
Genomic context (GRCh38, chr19:38,585,948, plus strand): 5'-GTCTGAACCAGGTCAGAGGTCGGGCACTGACTTGTGTCCTGCCACCCCAGGTCTGATCAT[C>T]GACGCTTTTGGTGAGCTCCGAGACCAACAAGAGCAAGTGAAGGAGGATATGGAGGTAGGT-3'
Protein context (NP_000531.2, residues 4928-4948): ILLAIIQGLI[Ile4938=]DAFGELRDQQ

ClinVar aggregate classification (germline): Likely benign. Review status: criteria provided, multiple submitters, no conflicts (2 of 4 stars). 6 submissions from 6 submitters: Likely benign (6). Last evaluated 2026-01-07.

Conditions:
RYR1-related disorder. Also called: RYR1-related disorders; RYR1-related condition. Identifiers: MedGen CN239331.
Malignant hyperthermia, susceptibility to, 1 (MHS1). Also called: Anesthesia related hyperthermia; Malignant hyperpyrexia; Fulminating hyperpyrexia; Pharmacogenic myopathy; RYR1-Related Malignant Hyperthermia Susceptibility; Malignant hyperthermia suceptibility 1. Identifiers: Orphanet 423, MedGen C2930980, MONDO:0007783, OMIM 145600.

Allele frequency attached by ClinVar (database versions not stated): gnomAD 0.00004 and 0.00005; gnomAD exomes 0.00004 and 0.00010; TOPMed 0.00008; ExAC 0.00010; 1000 Genomes Project 0.00020; 1000 Genomes Project 30x 0.00031.
gnomAD v4.1: 65 of 1,613,874 alleles (0.004%); highest among the groups gnomAD compares: East Asian, 0.056%; no homozygotes.

Submissions (6):

PreventionGenetics, part of Exact Sciences
Classification: Likely benign for RYR1-related condition. Last evaluated: 2026-01-07. Review status: criteria provided, single submitter. Criteria: ACMG Guidelines, 2015. Collection method: clinical testing. Allele origin: germline.
Comment: This variant is classified as likely benign based on ACMG/AMP sequence variant interpretation guidelines (Richards et al. 2015 PMID: 25741868, with internal and published modifications).

Labcorp Genetics (formerly Invitae), Labcorp
Classification: Likely benign for RYR1-related disorder. Last evaluated: 2025-06-18. Review status: criteria provided, single submitter. Criteria: Invitae Variant Classification Sherloc (09022015). Collection method: clinical testing. Allele origin: germline.

Blueprint Genetics
Classification: Likely benign. Last evaluated: 2024-11-25. Review status: criteria provided, single submitter. Criteria: ACMG Guidelines, 2015. Collection method: clinical testing. Allele origin: germline.

All of Us Research Program, National Institutes of Health
Classification: Likely benign for Malignant hyperthermia, susceptibility to, 1. Last evaluated: 2023-11-30. Review status: criteria provided, single submitter. Criteria: ACMG Guidelines, 2015. Collection method: clinical testing. Allele origin: germline. Inheritance: Autosomal dominant inheritance. Observed: 12 variant alleles, 12 heterozygotes.
Comment: This study involves interpretation of variants in research participants for the purpose of population health screening. Participant phenotype was not available at the time of variant classification. Additional details can be found in publication PMID: 35346344, PMCID: PMC8962531

Color Diagnostics, LLC DBA Color Health
Classification: Likely benign for Malignant hyperthermia, susceptibility to, 1. Last evaluated: 2022-04-29. Review status: criteria provided, single submitter. Criteria: ACMG Guidelines, 2015. Collection method: clinical testing. Allele origin: germline.

Laboratory for Molecular Medicine, Mass General Brigham Personalized Medicine
Classification: Likely benign. Last evaluated: 2016-08-11. Review status: criteria provided, single submitter. Criteria: LMM Criteria. Collection method: clinical testing. Allele origin: germline.
Comment: Variant identified in a genome or exome case(s) and assessed due to predicted null impact of the variant or pathogenic assertions in the literature or databases. Disclaimer: This variant has not undergone full assessment. The following are preliminary notes: Silent, not in splice consensus; Pathogenic assertion in ClinVar is for different variant at the same position.